The following is an entry in ClinVar:

ClinVar aggregate classification (germline): Uncertain significance. Review status: criteria provided, multiple submitters, no conflicts (2 of 4 stars). 3 submissions from 3 submitters: Uncertain significance (2). 1 of the submissions does not count toward it. Last evaluated 2025-01-07.

Conditions:
Inborn genetic diseases. Identifiers: MedGen C0950123, MeSH D030342.
NEK8-related disorder. Also called: NEK8-related condition.
Nephronophthisis 9 (NPHP9). Identifiers: Orphanet 655, MedGen C3151188, MONDO:0013444, OMIM 613824.

Allele frequency attached by ClinVar (database versions not stated): TOPMed 0.00002; gnomAD exomes 0.00009.

Submissions (3):

Labcorp Genetics (formerly Invitae), Labcorp
Classification: Uncertain significance for Nephronophthisis 9. Last evaluated: 2025-01-07. Review status: criteria provided, single submitter. Criteria: Invitae Variant Classification Sherloc (09022015). Collection method: clinical testing. Allele origin: germline.
Comment: This sequence change replaces arginine, which is basic and polar, with histidine, which is basic and polar, at codon 273 of the NEK8 protein (p.Arg273His). This variant is present in population databases (rs747051346, gnomAD 0.006%). This variant has not been reported in the literature in individuals affected with NEK8-related conditions. ClinVar contains an entry for this variant (Variation ID: 2524926). An algorithm developed to predict the effect of missense changes on protein structure and function (PolyPhen-2) suggests that this variant is likely to be tolerated. In summary, the available evidence is currently insufficient to determine the role of this variant in disease. Therefore, it has been classified as a Variant of Uncertain Significance.

Ambry Genetics
Classification: Uncertain significance for Inborn genetic diseases. Last evaluated: 2023-03-27. Review status: criteria provided, single submitter. Criteria: Ambry Variant Classification Scheme 2023. Collection method: clinical testing. Allele origin: germline.

PreventionGenetics, part of Exact Sciences
Classification: Uncertain significance for NEK8-related condition. Last evaluated: 2024-05-20. Review status: no assertion criteria provided. Collection method: clinical testing. Allele origin: germline. Not counted in ClinVar's aggregate classification.
Comment: The NEK8 c.818G>A variant is predicted to result in the amino acid substitution p.Arg273His. To our knowledge, this variant has not been reported in the literature. This variant is reported in 0.0057% of alleles in individuals of Latino descent in gnomAD. At this time, the clinical significance of this variant is uncertain due to the absence of conclusive functional and genetic evidence.

NM_178170.3(NEK8):c.818G>A (p.Arg273His)

Gene: NEK8 (NIMA related kinase 8; plus strand). Cytogenetic location: 17q11.2.
Variant type: single nucleotide variant.
Coding change: c.818G>A on transcript NM_178170.3 (MANE Select); coding-DNA position 818, G replaced by A.
Protein change: p.Arg273His; replaces arginine 273 with histidine.
Molecular consequence: missense variant.
Genome position (GRCh38, 1-based): chr17:28,737,505, G>A. VCF-style: chr17-28737505-G-A. GRCh37 (hg19) VCF-style: chr17-27064523-G-A.
Other names: short protein forms R273H.
Identifiers: ClinVar variation 2524926 (VCV002524926.5), dbSNP rs747051346, ClinGen allele CA8467170.